The following is an entry in ClinVar:

ClinVar aggregate classification (germline): Uncertain significance (1 of 4 stars; one submission).

Allele frequency attached by ClinVar (database versions not stated): ExAC 0.00002.
gnomAD v4.1: 3 of 1,614,214 alleles (0.00019%); highest among the groups gnomAD compares: East Asian, 0.0067%; no homozygotes.

Submission:

Ambry Genetics
Classification: Uncertain significance. Last evaluated: 2024-02-06. Review status: criteria provided, single submitter. Criteria: Ambry Variant Classification Scheme 2023. Collection method: clinical testing. Allele origin: germline.
Comment: The p.V1323G variant (also known as c.3968T>G), located in coding exon 4 of the ALPK2 gene, results from a T to G substitution at nucleotide position 3968. The valine at codon 1323 is replaced by glycine, an amino acid with dissimilar properties. This amino acid position is conserved. In addition, this alteration is predicted to be tolerated by in silico analysis. Since supporting evidence is limited at this time, the clinical significance of this alteration remains unclear.

NM_052947.4(ALPK2):c.3968T>G (p.Val1323Gly)

Genes: ALPK2 (alpha kinase 2; minus strand), LOC126862764 (BRD4-independent group 4 enhancer GRCh37_chr18:56202574-56203773; plus strand). Cytogenetic location: 18q21.31.
Variant type: single nucleotide variant.
Coding change: c.3968T>G on transcript NM_052947.4 (MANE Select); coding-DNA position 3968, T replaced by G.
Protein change: p.Val1323Gly; replaces valine 1323 with glycine.
Molecular consequence: missense variant.
Genome position (GRCh38, 1-based): chr18:58,536,219, A>C on the plus strand (T>G on the coding strand, the complement: ALPK2 is on the minus strand). VCF-style: chr18-58536219-A-C. GRCh37 (hg19) VCF-style: chr18-56203451-A-C.
Other names: short protein forms V1323G.
Identifiers: ClinVar variation 1736575 (VCV001736575.2), dbSNP rs747435799, ClinGen allele CA8976800.